The following is an entry in ClinVar:

ClinVar aggregate classification (germline): Uncertain significance. Review status: criteria provided, multiple submitters, no conflicts (2 of 4 stars). 3 submissions from 3 submitters: Uncertain significance (3). Last evaluated 2024-10-22.

Conditions:
Charcot-Marie-Tooth disease dominant intermediate B (CMTDIB). Also called: Charcot-Marie-Tooth disease dominant intermediate 1; CMT DI1; Charcot-Marie-Tooth disease dominant intermediate I; CHARCOT-MARIE-TOOTH NEUROPATHY, DOMINANT INTERMEDIATE B. Identifiers: Orphanet 100044, Orphanet 228179, MedGen C1847902, MONDO:0011674, OMIM 606482.

Allele frequency attached by ClinVar (database versions not stated): gnomAD exomes below 0.00001.
gnomAD v4.1: 2 of 1,613,994 alleles (0.00012%); highest among the groups gnomAD compares: Middle Eastern, 0.033%; no homozygotes.

Submissions (3):

Labcorp Genetics (formerly Invitae), Labcorp
Classification: Uncertain significance for Charcot-Marie-Tooth disease dominant intermediate B. Last evaluated: 2024-10-22. Review status: criteria provided, single submitter. Criteria: Invitae Variant Classification Sherloc (09022015). Collection method: clinical testing. Allele origin: germline.
Comment: This sequence change replaces proline, which is neutral and non-polar, with leucine, which is neutral and non-polar, at codon 797 of the DNM2 protein (p.Pro797Leu). This variant is not present in population databases (gnomAD no frequency). This variant has not been reported in the literature in individuals affected with DNM2-related conditions. ClinVar contains an entry for this variant (Variation ID: 2175566). Invitae Evidence Modeling of protein sequence and biophysical properties (such as structural, functional, and spatial information, amino acid conservation, physicochemical variation, residue mobility, and thermodynamic stability) indicates that this missense variant is not expected to disrupt DNM2 protein function with a negative predictive value of 95%. In summary, the available evidence is currently insufficient to determine the role of this variant in disease. Therefore, it has been classified as a Variant of Uncertain Significance.

Revvity Omics, Revvity
Classification: Uncertain significance. Last evaluated: 2024-06-06. Review status: criteria provided, single submitter. Criteria: ACMG Guidelines, 2015. Collection method: clinical testing. Allele origin: germline.

Victorian Clinical Genetics Services, Murdoch Childrens Research Institute
Classification: Uncertain significance for Charcot-Marie-Tooth disease dominant intermediate B. Last evaluated: 2020-06-11. Review status: criteria provided, single submitter. Criteria: ACMG Guidelines, 2015. Collection method: clinical testing. Allele origin: germline. Affected: yes.
Comment: Based on the classification scheme VCGS_Germline_v1.1.1, this variant is classified as 3C-VUS. Following criteria are met: 0101 - Gain-of-function is a known mechanism of disease for this gene. (N) 0108 - This gene is known to be associated with both recessive and dominant disease. DNM2 is generally associated with autosomal dominant disease, however recessive inheritance of a hypomorphic allele has been reported in a family where homozygote offspring displayed a severe lethal neonatal phenotype, and the carrier parents presented with a mild form of myopathy (OMIM). (N) 0200 - Variant is predicted to result in a missense amino acid change from proline to leucine. This variant is in exon 20 of the DNM2 gene. (N) 0251 - Variant is heterozygous. (N) 0301 - Variant is absent from gnomAD. (P) 0504 - Same amino acid change has been observed in mammals. (B) 0604 - Variant is not located in an established domain, motif, hotspot or informative constraint region. (N) 0705 - No comparable variants have previous evidence for pathogenicity. (N) 0807 - Variant has not previously been reported in a clinical context. (N) 0905 - No segregation evidence has been identified for this variant in the literature. (N) 1007 - No published functional evidence has been identified for this variant. (N) 1208 - Inheritance information for this variant is not currently available. (N) Legend: (P) - Pathogenic, (N) - Neutral, (B) - Benign

NM_001005361.3(DNM2):c.2390C>T (p.Pro797Leu)

Gene: DNM2 (dynamin 2; plus strand). Cytogenetic location: 19p13.2.
Variant type: single nucleotide variant.
Coding change: c.2390C>T on transcript NM_001005361.3 (MANE Select); coding-DNA position 2390, C replaced by T.
Protein change: p.Pro797Leu; replaces proline 797 with leucine.
Molecular consequence: missense variant.
Genome position (GRCh38, 1-based): chr19:10,830,225, C>T. VCF-style: chr19-10830225-C-T. GRCh37 (hg19) VCF-style: chr19-10940901-C-T.
Other names: c.2390C>T, p.Pro797Leu (NM_001005360.3, NM_001190716.2); c.2378C>T, p.Pro793Leu (NM_001005362.3, NM_004945.4); short protein forms P793L, P797L.
Identifiers: ClinVar variation 2175566 (VCV002175566.6), dbSNP rs2073290117, ClinGen allele CA404043863.